The following is an entry in ClinVar:

ClinVar aggregate classification (germline): Uncertain significance. Review status: criteria provided, multiple submitters, no conflicts (2 of 4 stars). 3 submissions from 3 submitters: Uncertain significance (3). Last evaluated 2025-10-01.

Allele frequency attached by ClinVar (database versions not stated): 1000 Genomes Project 30x 0.00016; ESP Exome Variant Server 0.00016; 1000 Genomes Project 0.00020.
gnomAD v4.1: 129 of 1,611,994 alleles (0.008%); highest among the groups gnomAD compares: Middle Eastern, 0.13%; no homozygotes.

Submissions (3):

CeGaT Center for Human Genetics Tuebingen
Classification: Uncertain significance. Last evaluated: 2025-10-01. Review status: criteria provided, single submitter. Criteria: CeGaT Center For Human Genetics Tuebingen Variant Classification Criteria Version 2. Collection method: clinical testing. Allele origin: germline. Affected: yes. Observed: 1 variant allele.

Ambry Genetics
Classification: Uncertain significance. Last evaluated: 2025-06-18. Review status: criteria provided, single submitter. Criteria: Ambry Variant Classification Scheme 2023. Collection method: clinical testing. Allele origin: germline.

Labcorp Genetics (formerly Invitae), Labcorp
Classification: Uncertain significance. Last evaluated: 2025-02-20. Review status: criteria provided, single submitter. Criteria: Invitae Variant Classification Sherloc (09022015). Collection method: clinical testing. Allele origin: germline.
Comment: This sequence change replaces arginine, which is basic and polar, with histidine, which is basic and polar, at codon 378 of the HS6ST1 protein (p.Arg378His). This variant is present in population databases (rs368742889, gnomAD 0.008%). This variant has not been reported in the literature in individuals affected with HS6ST1-related conditions. ClinVar contains an entry for this variant (Variation ID: 2454519). Invitae Evidence Modeling of protein sequence and biophysical properties (such as structural, functional, and spatial information, amino acid conservation, physicochemical variation, residue mobility, and thermodynamic stability) indicates that this missense variant is not expected to disrupt HS6ST1 protein function with a negative predictive value of 80%. In summary, the available evidence is currently insufficient to determine the role of this variant in disease. Therefore, it has been classified as a Variant of Uncertain Significance.

NM_004807.3(HS6ST1):c.1133G>A (p.Arg378His)

Gene: HS6ST1 (heparan sulfate 6-O-sulfotransferase 1; minus strand). Cytogenetic location: 2q14.3.
Variant type: single nucleotide variant.
Coding change: c.1133G>A on transcript NM_004807.3 (MANE Select); coding-DNA position 1133, G replaced by A.
Protein change: p.Arg378His; replaces arginine 378 with histidine.
Molecular consequence: missense variant.
Genome position (GRCh38, 1-based): chr2:128,268,265, C>T on the plus strand (G>A on the coding strand, the complement: HS6ST1 is on the minus strand). VCF-style: chr2-128268265-C-T. GRCh37 (hg19) VCF-style: chr2-129025839-C-T.
Other names: short protein forms R378H.
Identifiers: ClinVar variation 2454519 (VCV002454519.10), dbSNP rs368742889, ClinGen allele CA1867467.